The following is an entry in ClinVar:

ClinVar aggregate classification (germline): Conflicting classifications of pathogenicity. Review status: criteria provided, conflicting classifications (1 of 4 stars). 4 submissions from 4 submitters: Uncertain significance (2); Likely benign (2). Last evaluated 2025-06-18.

Conditions:
Dyskeratosis congenita, autosomal dominant 2. Identifiers: MedGen C3151443, MONDO:0013521, OMIM 613989.
Idiopathic Pulmonary Fibrosis. Also called: Idiopathic fibrosing alveolitis, chronic form; idiopathic fibrosing alveolitis. Identifiers: Orphanet 2032, MedGen C1800706, MeSH D054990, MONDO:0800504.
Dyskeratosis congenita. Identifiers: Orphanet 1775, MedGen C0265965, MONDO:0015780.

Allele frequency attached by ClinVar (database versions not stated): gnomAD exomes 0.00002 and 0.00001; 1000 Genomes Project 0.00020; ExAC 0.00002; gnomAD 0.00003; 1000 Genomes Project 30x 0.00031; TOPMed 0.00003.
gnomAD v4.1: 19 of 1,613,136 alleles (0.0012%); highest among the groups gnomAD compares: Admixed American, 0.005%; no homozygotes.

Submissions (4):

Ambry Genetics
Classification: Likely benign for Dyskeratosis congenita. Last evaluated: 2025-06-18. Review status: criteria provided, single submitter. Criteria: Ambry Variant Classification Scheme 2023. Collection method: clinical testing. Allele origin: germline.

GeneDx
Classification: Uncertain significance. Last evaluated: 2024-12-17. Review status: criteria provided, single submitter. Criteria: GeneDx Variant Classification Process June 2021. Collection method: clinical testing. Allele origin: germline.
Comment: In silico analysis indicates that this missense variant does not alter protein structure/function; Has not been previously published as pathogenic or benign to our knowledge; This variant is associated with the following publications: (PMID: 27149842)

Labcorp Genetics (formerly Invitae), Labcorp
Classification: Likely benign for Dyskeratosis congenita, autosomal dominant 2; Idiopathic Pulmonary Fibrosis. Last evaluated: 2024-04-22. Review status: criteria provided, single submitter. Criteria: Invitae Variant Classification Sherloc (09022015). Collection method: clinical testing. Allele origin: germline.

Women's Health and Genetics/Laboratory Corporation of America, LabCorp
Classification: Uncertain significance. Last evaluated: 2024-04-17. Review status: criteria provided, single submitter. Criteria: LabCorp Variant Classification Summary - May 2015. Collection method: clinical testing. Allele origin: germline.

NM_198253.3(TERT):c.2432G>A (p.Arg811His)

Gene: TERT (telomerase reverse transcriptase; minus strand). Cytogenetic location: 5p15.33.
Variant type: single nucleotide variant.
Coding change: c.2432G>A on transcript NM_198253.3 (MANE Select); coding-DNA position 2432, G replaced by A.
Protein change: p.Arg811His; replaces arginine 811 with histidine.
Molecular consequence: missense variant.
Genome position (GRCh38, 1-based): chr5:1,271,155, C>T on the plus strand (G>A on the coding strand, the complement: TERT is on the minus strand). VCF-style: chr5-1271155-C-T. GRCh37 (hg19) VCF-style: chr5-1271270-C-T.
Other names: c.2432G>A, p.Arg811His (NM_001193376.3); short protein forms R811H.
Identifiers: ClinVar variation 576284 (VCV000576284.13), dbSNP rs552708120, ClinGen allele CA3184519.